The following is an entry in ClinVar:

ClinVar aggregate classification (germline): Uncertain significance. Review status: criteria provided, multiple submitters, no conflicts (2 of 4 stars). 2 submissions from 2 submitters: Uncertain significance (2). Last evaluated 2025-04-12.

Allele frequency attached by ClinVar (database versions not stated): gnomAD exomes 0.00001; gnomAD 0.00005.
gnomAD v4.1: 15 of 1,614,004 alleles (0.00093%); highest among the groups gnomAD compares: Admixed American, 0.023%; no homozygotes.

Submissions (2):

Ambry Genetics
Classification: Uncertain significance. Last evaluated: 2025-04-12. Review status: criteria provided, single submitter. Criteria: Ambry Variant Classification Scheme 2023. Collection method: clinical testing. Allele origin: germline.

Labcorp Genetics (formerly Invitae), Labcorp
Classification: Uncertain significance. Last evaluated: 2024-01-11. Review status: criteria provided, single submitter. Criteria: Invitae Variant Classification Sherloc (09022015). Collection method: clinical testing. Allele origin: germline.
Comment: This sequence change replaces glycine, which is neutral and non-polar, with glutamic acid, which is acidic and polar, at codon 85 of the NUP62 protein (p.Gly85Glu). This variant is present in population databases (no rsID available, gnomAD 0.02%). This variant has not been reported in the literature in individuals affected with NUP62-related conditions. An algorithm developed to predict the effect of missense changes on protein structure and function (PolyPhen-2) suggests that this variant is likely to be disruptive. In summary, the available evidence is currently insufficient to determine the role of this variant in disease. Therefore, it has been classified as a Variant of Uncertain Significance.

NM_016553.5(NUP62):c.254G>A (p.Gly85Glu)

Genes: IL4I1 (interleukin 4 induced 1; minus strand), NUP62 (nucleoporin 62; minus strand). Cytogenetic location: 19q13.33.
Variant type: single nucleotide variant.
Coding change: c.254G>A on transcript NM_016553.5 (MANE Select); coding-DNA position 254, G replaced by A.
Protein change: p.Gly85Glu; replaces glycine 85 with glutamic acid.
Molecular consequence: missense variant. On other transcripts: intron variant (3).
Genome position (GRCh38, 1-based): chr19:49,909,554, C>T on the plus strand (G>A on the coding strand, the complement: NUP62 is on the minus strand). VCF-style: chr19-49909554-C-T. GRCh37 (hg19) VCF-style: chr19-50412811-C-T.
Other names: c.254G>A, p.Gly85Glu (NM_001193357.2, NM_012346.5, NM_153718.4 and 1 more transcripts); c.-227-5233G>A (NM_001258017.2, NM_172374.3); c.-285-5233G>A (NM_001258018.2); short protein forms G85E.
Identifiers: ClinVar variation 2719986 (VCV002719986.4), dbSNP rs1057193121, ClinGen allele CA309555582.